The following is an entry in ClinVar:

NM_001326342.2(CELF2):c.*15G>A

Genes: CELF2 (CUGBP Elav-like family member 2; plus strand), CELF2-AS1 (CELF2 antisense RNA 1; minus strand). Cytogenetic location: 10p14.
Variant type: single nucleotide variant.
Coding change: c.*15G>A on transcript NM_001326342.2 (MANE Select); 15 bases downstream of the stop codon, G replaced by A.
Molecular consequence: 3 prime UTR variant.
Genome position (GRCh38, 1-based): chr10:11,329,068, G>A. VCF-style: chr10-11329068-G-A. GRCh37 (hg19) VCF-style: chr10-11371031-G-A.
Other names: c.*15G>A (NM_001025076.2, NM_001025077.3, NM_001083591.1 and 37 more transcripts).
Identifiers: ClinVar variation 4853388 (VCV004853388.1).

ClinVar aggregate classification (germline): Uncertain significance (1 of 4 stars; one submission).

Submission:

Women's Health and Genetics/Laboratory Corporation of America, LabCorp
Classification: Uncertain significance. Last evaluated: 2026-05-28. Review status: criteria provided, single submitter. Criteria: LabCorp Variant Classification Summary - May 2015. Collection method: clinical testing. Allele origin: germline.
Comment: Variant summary: CELF2 c.*15G>A is located in the untranslated mRNA region downstream of the termination codon. The variant was absent in 245304 control chromosomes. The available data on variant occurrences in the general population are insufficient to allow any conclusion about variant significance. To our knowledge, no occurrence of c.*15G>A in individuals affected with CELF2-related conditions and no experimental evidence demonstrating its impact on protein function have been reported. No submitters have cited clinical-significance assessments for this variant to ClinVar. Based on the evidence outlined above, the variant was classified as uncertain significance.